The following is an entry in ClinVar:

NM_000271.5(NPC1):c.1947+12_1947+13insGGC

Gene: NPC1 (NPC intracellular cholesterol transporter 1; minus strand). Cytogenetic location: 18q11.2.
Variant type: Insertion.
Coding change: c.1947+12_1947+13insGGC on transcript NM_000271.5 (MANE Select); bases 12 to 13 of the intron after coding-DNA position 1947, GGC inserted.
Molecular consequence: intron variant.
Genome position: GRCh38 VCF-style: chr18-23544947-C-CCCG. GRCh37 (hg19) VCF-style: chr18-21124911-C-CCCG.
Other names: c.1947+12_1947+13insCGG (NM_000271.4).
Identifiers: ClinVar variation 1555016 (VCV001555016.9), dbSNP rs1555634658, ClinGen allele CA777725141.

ClinVar aggregate classification (germline): Likely benign. Review status: criteria provided, single submitter (1 of 4 stars). 2 submissions from 2 submitters: Likely benign (1). 1 of the submissions does not count toward it. Last evaluated 2026-01-20.

Conditions:
NPC1-related disorder. Also called: NPC1-related condition.
Niemann-Pick disease, type C1. Also called: NIEMANN-PICK DISEASE, VARIANT TYPE C1; NEUROVISCERAL STORAGE DISEASE WITH VERTICAL SUPRANUCLEAR OPHTHALMOPLEGIA; NIEMANN-PICK DISEASE WITH CHOLESTEROL ESTERIFICATION BLOCK; NIEMANN-PICK DISEASE WITHOUT SPHINGOMYELINASE DEFICIENCY; NIEMANN-PICK DISEASE, CHRONIC NEURONOPATHIC FORM. Identifiers: Orphanet 646, MedGen C3179455, MONDO:0009757, OMIM 257220.

Submissions (2):

Labcorp Genetics (formerly Invitae), Labcorp
Classification: Likely benign for Niemann-Pick disease, type C1. Last evaluated: 2026-01-20. Review status: criteria provided, single submitter. Criteria: Invitae Variant Classification Sherloc (09022015). Collection method: clinical testing. Allele origin: germline.

PreventionGenetics, part of Exact Sciences
Classification: Likely benign for NPC1-related condition. Last evaluated: 2024-08-17. Review status: no assertion criteria provided. Collection method: clinical testing. Allele origin: germline. Not counted in ClinVar's aggregate classification.
Comment: This variant is classified as likely benign based on ACMG/AMP sequence variant interpretation guidelines (Richards et al. 2015 PMID: 25741868, with internal and published modifications).